The following is an entry in ClinVar:

ClinVar aggregate classification (germline): Uncertain significance (1 of 4 stars; one submission).

gnomAD v4.1: 9 of 1,614,116 alleles (0.00056%); highest among the groups gnomAD compares: East Asian, 0.0022%; no homozygotes.

Submission:

Labcorp Genetics (formerly Invitae), Labcorp
Classification: Uncertain significance. Last evaluated: 2025-10-03. Review status: criteria provided, single submitter. Criteria: Invitae Variant Classification Sherloc (09022015). Collection method: clinical testing. Allele origin: germline.
Comment: This sequence change replaces glutamic acid, which is acidic and polar, with lysine, which is basic and polar, at codon 142 of the CYC1 protein (p.Glu142Lys). This variant is present in population databases (rs767309788, gnomAD 0.006%). This variant has not been reported in the literature in individuals affected with CYC1-related conditions. Invitae Evidence Modeling of protein sequence and biophysical properties (such as structural, functional, and spatial information, amino acid conservation, physicochemical variation, residue mobility, and thermodynamic stability) indicates that this missense variant is not expected to disrupt CYC1 protein function with a negative predictive value of 80%. In summary, the available evidence is currently insufficient to determine the role of this variant in disease. Therefore, it has been classified as a Variant of Uncertain Significance.

NM_001916.5(CYC1):c.424G>A (p.Glu142Lys)

Gene: CYC1 (cytochrome c1; plus strand). Cytogenetic location: 8q24.3.
Variant type: single nucleotide variant.
Coding change: c.424G>A on transcript NM_001916.5 (MANE Select); coding-DNA position 424, G replaced by A.
Protein change: p.Glu142Lys; replaces glutamic acid 142 with lysine.
Molecular consequence: missense variant.
Genome position (GRCh38, 1-based): chr8:144,096,221, G>A. VCF-style: chr8-144096221-G-A. GRCh37 (hg19) VCF-style: chr8-145151124-G-A.
Other names: short protein forms E142K.
Identifiers: ClinVar variation 4759836 (VCV004759836.1).